The following is an entry in ClinVar:

ClinVar aggregate classification (germline): Uncertain significance (1 of 4 stars; one submission).

Conditions:
Combined immunodeficiency due to DOCK8 deficiency (HIES2). Also called: HYPER-IgE SYNDROME 2, AUTOSOMAL RECESSIVE, WITH RECURRENT INFECTIONS; HYPER-IgE RECURRENT INFECTION SYNDROME 2, AUTOSOMAL RECESSIVE; HIES autosomal recessive; DOCK8 Deficiency; Hyper-IgE recurrent infection syndrome, autosomal recessive. Identifiers: Orphanet 217390, MedGen C4722305, MONDO:0009478, OMIM 243700.

Allele frequency attached by ClinVar (database versions not stated): gnomAD 0.00001; TOPMed 0.00002; gnomAD exomes 0.00004 and 0.00005; ExAC 0.00007; ESP Exome Variant Server 0.00008.
gnomAD v4.1: 55 of 1,614,040 alleles (0.0034%); highest among the groups gnomAD compares: South Asian, 0.0044%; no homozygotes.

Submission:

Labcorp Genetics (formerly Invitae), Labcorp
Classification: Uncertain significance for Combined immunodeficiency due to DOCK8 deficiency. Last evaluated: 2025-10-24. Review status: criteria provided, single submitter. Criteria: Invitae Variant Classification Sherloc (09022015). Collection method: clinical testing. Allele origin: germline.
Comment: This sequence change replaces serine, which is neutral and polar, with phenylalanine, which is neutral and non-polar, at codon 189 of the DOCK8 protein (p.Ser189Phe). This variant is present in population databases (rs369919982, gnomAD 0.01%). This variant has not been reported in the literature in individuals affected with DOCK8-related conditions. ClinVar contains an entry for this variant (Variation ID: 1022529). Invitae Evidence Modeling of protein sequence and biophysical properties (such as structural, functional, and spatial information, amino acid conservation, physicochemical variation, residue mobility, and thermodynamic stability) has been performed for this missense variant. However, the output from this modeling did not meet the statistical confidence thresholds required to predict the impact of this variant on DOCK8 protein function. In summary, the available evidence is currently insufficient to determine the role of this variant in disease. Therefore, it has been classified as a Variant of Uncertain Significance.

NM_203447.4(DOCK8):c.566C>T (p.Ser189Phe)

Gene: DOCK8 (dedicator of cytokinesis 8; plus strand). Cytogenetic location: 9p24.3.
Variant type: single nucleotide variant.
Coding change: c.566C>T on transcript NM_203447.4 (MANE Select); coding-DNA position 566, C replaced by T.
Protein change: p.Ser189Phe; replaces serine 189 with phenylalanine.
Molecular consequence: missense variant.
Genome position (GRCh38, 1-based): chr9:311,991, C>T. VCF-style: chr9-311991-C-T. GRCh37 (hg19) VCF-style: chr9-311991-C-T.
Other names: c.362C>T, p.Ser121Phe (NM_001190458.2, NM_001193536.2); short protein forms S121F, S189F.
Identifiers: ClinVar variation 1022529 (VCV001022529.7), dbSNP rs369919982, ClinGen allele CA4957322.
Genomic context (GRCh38, chr9:311,991, plus strand): 5'-AGACCCACTGTTTTCTCTCACAGGCAGGCCCCCGCCACTTAAACGTGCTGTGCGACGTGT[C>T]TGGGAAAGGCCCCGTCACTGCCTGTGACTTTGACCTCCGCAGCCTGCAGCCTGACAAGCG-3'
Protein context (NP_982272.2, residues 179-199): PRHLNVLCDV[Ser189Phe]GKGPVTACDF